The following is an entry in ClinVar:

NM_001199267.2(DGKZ):c.1762G>C (p.Val588Leu)

Gene: DGKZ (diacylglycerol kinase zeta; plus strand). Cytogenetic location: 11p11.2.
Variant type: single nucleotide variant.
Coding change: c.1762G>C on transcript NM_001199267.2 (MANE Select); coding-DNA position 1762, G replaced by C.
Protein change: p.Val588Leu; replaces valine 588 with leucine.
Molecular consequence: missense variant.
Genome position (GRCh38, 1-based): chr11:46,375,486, G>C. VCF-style: chr11-46375486-G-C. GRCh37 (hg19) VCF-style: chr11-46397036-G-C.
Other names: c.2329G>C, p.Val777Leu (NM_001105540.2); c.1765G>C, p.Val589Leu (NM_001199266.2, NM_003646.4); c.1696G>C, p.Val566Leu (NM_001199268.2); c.1813G>C, p.Val605Leu (NM_201532.3); c.1777G>C, p.Val593Leu (NM_201533.3); c.2329G>C (NM_001105540.1); short protein forms V589L, V605L, V777L, V566L, V588L, V593L.
Identifiers: ClinVar variation 1476404 (VCV001476404.9), dbSNP rs369196316, ClinGen allele CA5962962.

ClinVar aggregate classification (germline): Conflicting classifications of pathogenicity. Review status: criteria provided, conflicting classifications (1 of 4 stars). 2 submissions from 2 submitters: Uncertain significance (1); Likely benign (1). Last evaluated 2025-03-18.

Allele frequency attached by ClinVar (database versions not stated): gnomAD 0.00011; gnomAD exomes 0.00019 and 0.00022; TOPMed 0.00019; ESP Exome Variant Server 0.00023; ExAC 0.00057.
gnomAD v4.1: 331 of 1,587,980 alleles (0.021%); highest among the groups gnomAD compares: Non-Finnish European, 0.026%; no homozygotes.

Submissions (2):

Labcorp Genetics (formerly Invitae), Labcorp
Classification: Uncertain significance. Last evaluated: 2025-03-18. Review status: criteria provided, single submitter. Criteria: Invitae Variant Classification Sherloc (09022015). Collection method: clinical testing. Allele origin: germline.
Comment: This sequence change replaces valine, which is neutral and non-polar, with leucine, which is neutral and non-polar, at codon 777 of the DGKZ protein (p.Val777Leu). This variant is present in population databases (rs369196316, gnomAD 0.03%). This variant has not been reported in the literature in individuals affected with DGKZ-related conditions. ClinVar contains an entry for this variant (Variation ID: 1476404). An algorithm developed to predict the effect of missense changes on protein structure and function outputs the following: PolyPhen-2: "Benign". The leucine amino acid residue is found in multiple mammalian species, which suggests that this missense change does not adversely affect protein function. In summary, the available evidence is currently insufficient to determine the role of this variant in disease. Therefore, it has been classified as a Variant of Uncertain Significance.

Ambry Genetics
Classification: Likely benign. Last evaluated: 2022-10-27. Review status: criteria provided, single submitter. Criteria: Ambry Variant Classification Scheme 2023. Collection method: clinical testing. Allele origin: germline.